The following is an entry in ClinVar:

ClinVar aggregate classification (germline): Benign/Likely benign. Review status: criteria provided, multiple submitters, no conflicts (2 of 4 stars). 9 submissions from 9 submitters: Benign (6); Likely benign (3). Last evaluated 2026-02-01.

Conditions:
Fanconi anemia complementation group P. Also called: SLX4-Related Fanconi Anemia. Identifiers: Orphanet 84, MedGen C3469542, MONDO:0013499, OMIM 613951.
Fanconi anemia (FA). Also called: Fanconi's anemia. Identifiers: Orphanet 84, MedGen C0015625, MeSH D005199, MONDO:0019391.
Fanconi anemia complementation group A (FANCA). Also called: FANCA-Related Fanconi Anemia; Fanconi anemia, group A. Identifiers: Orphanet 84, MedGen C3469521, MONDO:0009215, OMIM 227650.

Allele frequency attached by ClinVar (database versions not stated): gnomAD exomes 0.00044 and 0.00099; ExAC 0.00215; 1000 Genomes Project 0.00379; gnomAD 0.00387 and 0.00416; TOPMed 0.00461; 1000 Genomes Project 30x 0.00484; ESP Exome Variant Server 0.00508.
gnomAD v4.1: 1,267 of 1,606,860 alleles (0.079%); highest among the groups gnomAD compares: African/African-American, 1.5%; 6 homozygotes.

Submissions (9):

Labcorp Genetics (formerly Invitae), Labcorp
Classification: Benign for Fanconi anemia. Last evaluated: 2026-02-01. Review status: criteria provided, single submitter. Criteria: Invitae Variant Classification Sherloc (09022015). Collection method: clinical testing. Allele origin: germline.

CeGaT Center for Human Genetics Tuebingen
Classification: Benign. Last evaluated: 2025-05-01. Review status: criteria provided, single submitter. Criteria: CeGaT Center For Human Genetics Tuebingen Variant Classification Criteria Version 2. Collection method: clinical testing. Allele origin: germline. Affected: yes. Observed: 2 variant alleles.
Comment: SLX4: BP4, BS1, BS2

Blueprint Genetics
Classification: Likely benign. Last evaluated: 2024-11-13. Review status: criteria provided, single submitter. Criteria: ACMG Guidelines, 2015. Collection method: clinical testing. Allele origin: germline.

ARUP Laboratories, Molecular Genetics and Genomics, ARUP Laboratories
Classification: Likely benign for Fanconi anemia complementation group P. Last evaluated: 2023-12-11. Review status: criteria provided, single submitter. Criteria: ARUP Molecular Germline Variant Investigation Process 2024. Collection method: clinical testing. Allele origin: germline.

GeneDx
Classification: Benign. Last evaluated: 2021-02-26. Review status: criteria provided, single submitter. Criteria: GeneDx Variant Classification Process June 2021. Collection method: clinical testing. Allele origin: germline. Affected: yes.
Comment: In silico analysis supports that this missense variant has a deleterious effect on protein structure/function; Previously reported in an individual with breast or ovarian cancer and a family history compatible with a hereditary cancer syndrome (de Garibay et al., 2013); This variant is associated with the following publications: (PMID: 30284473, 26453996, 23211700)

Sema4
Classification: Benign for Fanconi anemia. Last evaluated: 2020-03-26. Review status: criteria provided, single submitter. Criteria: Sema4 Curation Guidelines. Collection method: curation. Allele origin: germline.

Dubai Health Genomic Medicine Center, Dubai Health
Classification: Benign for Fanconi anemia complementation group P. Last evaluated: 2020-03-19. Review status: criteria provided, single submitter. Criteria: ACMG Guidelines, 2015. Collection method: clinical testing. Allele origin: germline. Affected: yes.

Mendelics
Classification: Benign for Fanconi anemia complementation group A. Last evaluated: 2019-05-28. Review status: criteria provided, single submitter. Criteria: Mendelics Assertion Criteria 2017. Collection method: clinical testing. Allele origin: unknown.

Genetic Services Laboratory, University of Chicago
Classification: Likely benign. Last evaluated: 2015-11-24. Review status: criteria provided, single submitter. Criteria: ACMG Guidelines, 2015. Collection method: clinical testing. Allele origin: germline. Affected: no.

NM_032444.4(SLX4):c.1637A>G (p.Tyr546Cys)

Gene: SLX4 (SLX4 structure-specific endonuclease subunit; minus strand). Cytogenetic location: 16p13.3.
Variant type: single nucleotide variant.
Coding change: c.1637A>G on transcript NM_032444.4 (MANE Select); coding-DNA position 1637, A replaced by G.
Protein change: p.Tyr546Cys; replaces tyrosine 546 with cysteine.
Molecular consequence: missense variant.
Genome position (GRCh38, 1-based): chr16:3,597,425, T>C on the plus strand (A>G on the coding strand, the complement: SLX4 is on the minus strand). VCF-style: chr16-3597425-T-C. GRCh37 (hg19) VCF-style: chr16-3647426-T-C.
Other names: c.1637A>G (LRG_503t1); short protein forms Y546C.
Identifiers: ClinVar variation 414709 (VCV000414709.53), dbSNP rs150547487, ClinGen allele CA7866469.